The following is an entry in ClinVar:

ClinVar aggregate classification (germline): Uncertain significance (1 of 4 stars; one submission).

Conditions:
Glycogen storage disease type III (GSD3). Also called: Cori disease; FORBES DISEASE. Identifiers: Orphanet 366, MedGen C0017922, MONDO:0009291, OMIM 232400.

Allele frequency attached by ClinVar (database versions not stated): gnomAD exomes below 0.00001.
gnomAD v4.1: 2 of 1,608,724 alleles (0.00012%); highest among the groups gnomAD compares: African/African-American, 0.0027%; no homozygotes.

Submission:

Labcorp Genetics (formerly Invitae), Labcorp
Classification: Uncertain significance for Glycogen storage disease type III. Last evaluated: 2022-07-17. Review status: criteria provided, single submitter. Criteria: Invitae Variant Classification Sherloc (09022015). Collection method: clinical testing. Allele origin: germline.
Comment: This sequence change replaces leucine, which is neutral and non-polar, with phenylalanine, which is neutral and non-polar, at codon 1526 of the AGL protein (p.Leu1526Phe). This variant is present in population databases (no rsID available, gnomAD 0.007%). This variant has not been reported in the literature in individuals affected with AGL-related conditions. Algorithms developed to predict the effect of missense changes on protein structure and function are either unavailable or do not agree on the potential impact of this missense change (SIFT: "Tolerated"; PolyPhen-2: "Probably Damaging"; Align-GVGD: "Class C0"). In summary, the available evidence is currently insufficient to determine the role of this variant in disease. Therefore, it has been classified as a Variant of Uncertain Significance.

NM_000642.3(AGL):c.4576C>T (p.Leu1526Phe)

Gene: AGL (amylo-alpha-1,6-glucosidase and 4-alpha-glucanotransferase; plus strand). Cytogenetic location: 1p21.2.
Variant type: single nucleotide variant.
Coding change: c.4576C>T on transcript NM_000642.3 (MANE Select); coding-DNA position 4576, C replaced by T.
Protein change: p.Leu1526Phe; replaces leucine 1526 with phenylalanine.
Molecular consequence: missense variant.
Genome position (GRCh38, 1-based): chr1:99,921,628, C>T. VCF-style: chr1-99921628-C-T. GRCh37 (hg19) VCF-style: chr1-100387184-C-T.
Other names: c.4576C>T, p.Leu1526Phe (NM_000028.3, NM_000643.3, NM_000644.3 and 1 more transcripts); c.4528C>T, p.Leu1510Phe (NM_000646.3); c.4555C>T, p.Leu1519Phe (NM_001425326.1); c.4375C>T, p.Leu1459Phe (NM_001425327.1); c.4372C>T, p.Leu1458Phe (NM_001425328.1); c.4237C>T, p.Leu1413Phe (NM_001425329.1); c.4198C>T, p.Leu1400Phe (NM_001425332.1); short protein forms L1510F, L1526F, L1400F, L1413F, L1458F, L1459F, L1519F.
Identifiers: ClinVar variation 1718026 (VCV001718026.3), dbSNP rs1202536791, ClinGen allele CA341343969.